The following is an entry in ClinVar:

ClinVar aggregate classification (germline): Conflicting classifications of pathogenicity. Review status: criteria provided, conflicting classifications (1 of 4 stars). 3 submissions from 3 submitters: Uncertain significance (1); Likely benign (1). 1 of the submissions does not count toward it. Last evaluated 2025-06-12.

Conditions:
FAT1-related disorder. Also called: FAT1-related condition.

Allele frequency attached by ClinVar (database versions not stated): gnomAD exomes 0.00008 and 0.00023; ExAC 0.00030; gnomAD 0.00094 and 0.00105; TOPMed 0.00096; ESP Exome Variant Server 0.00110.
gnomAD v4.1: 261 of 1,613,978 alleles (0.016%); highest among the groups gnomAD compares: African/African-American, 0.32%; no homozygotes.

Submissions (3):

Labcorp Genetics (formerly Invitae), Labcorp
Classification: Likely benign. Last evaluated: 2025-06-12. Review status: criteria provided, single submitter. Criteria: Invitae Variant Classification Sherloc (09022015). Collection method: clinical testing. Allele origin: germline.

GeneDx
Classification: Uncertain significance. Last evaluated: 2022-02-04. Review status: criteria provided, single submitter. Criteria: GeneDx Variant Classification Process June 2021. Collection method: clinical testing. Allele origin: germline. Affected: yes.
Comment: In silico analysis supports that this missense variant does not alter protein structure/function; Has not been previously published as pathogenic or benign to our knowledge

PreventionGenetics, part of Exact Sciences
Classification: Likely benign for FAT1-related condition. Last evaluated: 2022-02-14. Review status: no assertion criteria provided. Collection method: clinical testing. Allele origin: germline. Not counted in ClinVar's aggregate classification.
Comment: This variant is classified as likely benign based on ACMG/AMP sequence variant interpretation guidelines (Richards et al. 2015 PMID: 25741868, with internal and published modifications).

NM_005245.4(FAT1):c.635A>T (p.Tyr212Phe)

Gene: FAT1 (FAT atypical cadherin 1; minus strand). Cytogenetic location: 4q35.2.
Variant type: single nucleotide variant.
Coding change: c.635A>T on transcript NM_005245.4 (MANE Select); coding-DNA position 635, A replaced by T.
Protein change: p.Tyr212Phe; replaces tyrosine 212 with phenylalanine.
Molecular consequence: missense variant.
Genome position (GRCh38, 1-based): chr4:186,709,193, T>A on the plus strand (A>T on the coding strand, the complement: FAT1 is on the minus strand). VCF-style: chr4-186709193-T-A. GRCh37 (hg19) VCF-style: chr4-187630347-T-A.
Other names: short protein forms Y212F.
Identifiers: ClinVar variation 1564121 (VCV001564121.11), dbSNP rs61747592, ClinGen allele CA3167630.
Genomic context (GRCh38, chr4:186,709,193, plus strand): 5'-TACAACTTCATGCCACGGTCCGCAGCGAGGATTTCCATCTCATAGAGCTTGGTCTCTAGG[T>A]AATCAAGTCTACCAGTTAACACTATCACACCACTGGTTGGGTGAATAGCAAACATATCTG-3'
Protein context (NP_005236.2, residues 202-222): GVIVLTGRLD[Tyr212Phe]LETKLYEMEI